The following is an entry in ClinVar:

ClinVar aggregate classification (germline): Uncertain significance. Review status: criteria provided, multiple submitters, no conflicts (2 of 4 stars). 3 submissions from 3 submitters: Uncertain significance (3). Last evaluated 2025-09-05.

Conditions:
Hyperkalemic periodic paralysis. Also called: Familial hyperkalemic periodic paralysis; Gamstorp disease. Identifiers: Orphanet 682, MedGen C0238357, MONDO:0008224, OMIM 170500, HP:0007215.
Inborn genetic diseases. Identifiers: MedGen C0950123, MeSH D030342.

Allele frequency attached by ClinVar (database versions not stated): gnomAD 0.00001; TOPMed 0.00001.
gnomAD v4.1: 3 of 1,613,960 alleles (0.00019%); highest among the groups gnomAD compares: Non-Finnish European, 0.00025%; no homozygotes.

Submissions (3):

Ambry Genetics
Classification: Uncertain significance for Inborn genetic diseases. Last evaluated: 2025-09-05. Review status: criteria provided, single submitter. Criteria: Ambry Variant Classification Scheme 2023. Collection method: clinical testing. Allele origin: germline.

Labcorp Genetics (formerly Invitae), Labcorp
Classification: Uncertain significance for Hyperkalemic periodic paralysis. Last evaluated: 2025-03-03. Review status: criteria provided, single submitter. Criteria: Invitae Variant Classification Sherloc (09022015). Collection method: clinical testing. Allele origin: germline.
Comment: This sequence change replaces arginine, which is basic and polar, with histidine, which is basic and polar, at codon 756 of the SCN4A protein (p.Arg756His). This variant is not present in population databases (gnomAD no frequency). This missense change has been observed in individual(s) with clinical features of SCN4A-related conditions (internal data). ClinVar contains an entry for this variant (Variation ID: 836875). Invitae Evidence Modeling of protein sequence and biophysical properties (such as structural, functional, and spatial information, amino acid conservation, physicochemical variation, residue mobility, and thermodynamic stability) indicates that this missense variant is expected to disrupt SCN4A protein function with a positive predictive value of 95%. In summary, the available evidence is currently insufficient to determine the role of this variant in disease. Therefore, it has been classified as a Variant of Uncertain Significance.

GeneDx
Classification: Uncertain significance. Last evaluated: 2021-06-25. Review status: criteria provided, single submitter. Criteria: GeneDx Variant Classification Process June 2021. Collection method: clinical testing. Allele origin: germline. Affected: yes.
Comment: Has not been previously published as pathogenic or benign to our knowledge; Not observed at significant frequency in large population cohorts (Lek et al., 2016); In silico analysis supports that this missense variant has a deleterious effect on protein structure/function; This variant is associated with the following publications: (PMID: 26659129, 25880512, 27535533)

NM_000334.4(SCN4A):c.2267G>A (p.Arg756His)

Genes: SCN4A (sodium voltage-gated channel alpha subunit 4; minus strand), GH-LCR (growth hormone locus control region; plus strand). Cytogenetic location: 17q23.3.
Variant type: single nucleotide variant.
Coding change: c.2267G>A on transcript NM_000334.4 (MANE Select); coding-DNA position 2267, G replaced by A.
Protein change: p.Arg756His; replaces arginine 756 with histidine.
Molecular consequence: missense variant.
Genome position (GRCh38, 1-based): chr17:63,957,271, C>T on the plus strand (G>A on the coding strand, the complement: SCN4A is on the minus strand). VCF-style: chr17-63957271-C-T. GRCh37 (hg19) VCF-style: chr17-62034631-C-T.
Other names: short protein forms R756H.
Identifiers: ClinVar variation 836875 (VCV000836875.13), dbSNP rs1343607212, ClinGen allele CA400629763.
Genomic context (GRCh38, chr17:63,957,271, plus strand): 5'-GCTTGGCCGGCCACCTCCATGCAGTCCCACATGGTCTCGATCCACTCCCCGCACAGGATG[C>T]GGAAGACGATGAGGAAGGAGTGGAAGAAATCATGCATGTGCCAGCGCGGCAGGTTGCAGT-3'
Protein context (NP_000325.4, residues 746-766): DFFHSFLIVF[Arg756His]ILCGEWIETM